The following is an entry in ClinVar:

NM_020937.4(FANCM):c.1432C>T (p.Arg478Ter)

Gene: FANCM (FA complementation group M; plus strand). Cytogenetic location: 14q21.2.
Variant type: single nucleotide variant.
Coding change: c.1432C>T on transcript NM_020937.4 (MANE Select); coding-DNA position 1432, C replaced by T.
Protein change: p.Arg478Ter; replaces arginine 478 with a stop codon.
Molecular consequence: nonsense.
Genome position (GRCh38, 1-based): chr14:45,159,131, C>T. VCF-style: chr14-45159131-C-T. GRCh37 (hg19) VCF-style: chr14-45628334-C-T.
Other names: c.1354C>T, p.Arg452Ter (NM_001308133.2); c.1432C>T, p.Arg478Ter (NM_001308134.2); short protein forms R478*, R452*.
Identifiers: ClinVar variation 840503 (VCV000840503.12), dbSNP rs552052505, ClinGen allele CA259618708.

ClinVar aggregate classification (germline): Pathogenic/Likely pathogenic. Review status: criteria provided, multiple submitters, no conflicts (2 of 4 stars). 2 submissions from 2 submitters: Pathogenic (1); Likely pathogenic (1). Last evaluated 2024-04-03.

Conditions:
Fanconi anemia (FA). Also called: Fanconi's anemia. Identifiers: Orphanet 84, MedGen C0015625, MeSH D005199, MONDO:0019391.

gnomAD v4.1: 2 of 1,611,736 alleles (0.00012%); highest among the groups gnomAD compares: African/African-American, 0.0013%; no homozygotes.

Submissions (2):

Labcorp Genetics (formerly Invitae), Labcorp
Classification: Pathogenic for Fanconi anemia. Last evaluated: 2024-04-03. Review status: criteria provided, single submitter. Criteria: Invitae Variant Classification Sherloc (09022015). Collection method: clinical testing. Allele origin: germline.
Comment: This sequence change creates a premature translational stop signal (p.Arg478*) in the FANCM gene. It is expected to result in an absent or disrupted protein product. Loss-of-function variants in FANCM are known to be pathogenic (PMID: 29895858, 30075111). This variant is not present in population databases (gnomAD no frequency). This premature translational stop signal has been observed in individual(s) with breast cancer (PMID: 29287190, 31991861). ClinVar contains an entry for this variant (Variation ID: 840503). For these reasons, this variant has been classified as Pathogenic.

GeneDx
Classification: Likely pathogenic. Last evaluated: 2022-08-04. Review status: criteria provided, single submitter. Criteria: GeneDx Variant Classification Process June 2021. Collection method: clinical testing. Allele origin: germline. Affected: yes.
Comment: Nonsense variant predicted to result in protein truncation or nonsense mediated decay in a gene for which loss of function is a known mechanism of disease; Not observed at significant frequency in large population cohorts (gnomAD); This variant is associated with the following publications: (PMID: 29287190, 31991861, 30613976)

Literature cited by the submitters: PubMed 29895858 (cited by Labcorp Genetics (formerly Invitae), Labcorp); PubMed 30075111 (cited by Labcorp Genetics (formerly Invitae), Labcorp); PubMed 29287190 (cited by Labcorp Genetics (formerly Invitae), Labcorp); PubMed 31991861 (cited by Labcorp Genetics (formerly Invitae), Labcorp).